The following is an entry in ClinVar:

ClinVar aggregate classification (germline): Uncertain significance. Review status: criteria provided, multiple submitters, no conflicts (2 of 4 stars). 3 submissions from 3 submitters: Uncertain significance (3). Last evaluated 2023-11-28.

Conditions:
Hereditary cancer-predisposing syndrome. Also called: Hereditary neoplastic syndrome; Tumor predisposition; Hereditary Cancer Syndrome; Neoplastic Syndromes, Hereditary. Identifiers: Orphanet 140162, MedGen C0027672, MeSH D009386, MONDO:0015356.
Fanconi anemia complementation group J. Also called: BRIP1-Related Fanconi Anemia. Identifiers: Orphanet 84, MedGen C1836860, MONDO:0012187, OMIM 609054.
Familial cancer of breast. Also called: hereditary breast carcinoma; BREAST CANCER, FAMILIAL; Hereditary breast cancer. Identifiers: Orphanet 227535, MedGen C0346153, MONDO:0016419, OMIM 114480. Disease mechanism: loss of function.

Allele frequency attached by ClinVar (database versions not stated): gnomAD exomes below 0.00001.
gnomAD v4.1: 1 of 1,610,314 alleles (0.000062%); highest among the groups gnomAD compares: African/African-American, 0.0013%; no homozygotes.

Submissions (3):

Ambry Genetics
Classification: Uncertain significance for Hereditary cancer-predisposing syndrome. Last evaluated: 2023-11-28. Review status: criteria provided, single submitter. Criteria: Ambry Variant Classification Scheme 2023. Collection method: clinical testing. Allele origin: germline.
Comment: The p.Q608H variant (also known as c.1824G>C), located in coding exon 12 of the BRIP1 gene, results from a G to C substitution at nucleotide position 1824. The glutamine at codon 608 is replaced by histidine, an amino acid with highly similar properties. This amino acid position is poorly conserved in available vertebrate species. In addition, this alteration is predicted to be tolerated by in silico analysis. Since supporting evidence is limited at this time, the clinical significance of this alteration remains unclear.

Labcorp Genetics (formerly Invitae), Labcorp
Classification: Uncertain significance for Familial cancer of breast; Fanconi anemia complementation group J. Last evaluated: 2023-03-12. Review status: criteria provided, single submitter. Criteria: Invitae Variant Classification Sherloc (09022015). Collection method: clinical testing. Allele origin: germline.
Comment: ClinVar contains an entry for this variant (Variation ID: 575463). This variant has not been reported in the literature in individuals affected with BRIP1-related conditions. This variant is not present in population databases (gnomAD no frequency). This sequence change replaces glutamine, which is neutral and polar, with histidine, which is basic and polar, at codon 608 of the BRIP1 protein (p.Gln608His). Advanced modeling of protein sequence and biophysical properties (such as structural, functional, and spatial information, amino acid conservation, physicochemical variation, residue mobility, and thermodynamic stability) performed at Invitae indicates that this missense variant is not expected to disrupt BRIP1 protein function. In summary, the available evidence is currently insufficient to determine the role of this variant in disease. Therefore, it has been classified as a Variant of Uncertain Significance.

Women's Health and Genetics/Laboratory Corporation of America, LabCorp
Classification: Uncertain significance. Last evaluated: 2022-07-08. Review status: criteria provided, single submitter. Criteria: LabCorp Variant Classification Summary - May 2015. Collection method: clinical testing. Allele origin: germline.

NM_032043.3(BRIP1):c.1824G>C (p.Gln608His)

Gene: BRIP1 (BRCA1 interacting DNA helicase 1; minus strand). Cytogenetic location: 17q23.2.
Variant type: single nucleotide variant.
Coding change: c.1824G>C on transcript NM_032043.3 (MANE Select); coding-DNA position 1824, G replaced by C.
Protein change: p.Gln608His; replaces glutamine 608 with histidine.
Molecular consequence: missense variant.
Genome position (GRCh38, 1-based): chr17:61,780,372, C>G on the plus strand (G>C on the coding strand, the complement: BRIP1 is on the minus strand). VCF-style: chr17-61780372-C-G. GRCh37 (hg19) VCF-style: chr17-59857733-C-G.
Other names: short protein forms Q608H.
Identifiers: ClinVar variation 575463 (VCV000575463.17), dbSNP rs1567812636, ClinGen allele CA400480169.